The following is an entry in ClinVar:

ClinVar aggregate classification (germline): Uncertain significance (1 of 4 stars; one submission).

Conditions:
Intellectual developmental disorder, autosomal dominant 47. Also called: MENTAL RETARDATION, AUTOSOMAL DOMINANT 47; Intellectual disability, autosomal dominant 47. Identifiers: Orphanet 502434, MedGen C4539951, MONDO:0030912, OMIM 617635.

gnomAD v4.1: 2 of 1,568,658 alleles (0.00013%); highest among the groups gnomAD compares: Non-Finnish European, 0.00017%; no homozygotes.

Submission:

Victorian Clinical Genetics Services, Murdoch Childrens Research Institute
Classification: Uncertain significance for Intellectual developmental disorder, autosomal dominant 47. Last evaluated: 2023-07-17. Review status: criteria provided, single submitter. Criteria: ACMG Guidelines, 2015. Collection method: clinical testing. Allele origin: germline. Inheritance: Autosomal dominant inheritance. Affected: yes.
Comment: Based on the classification scheme VCGS_Germline_v1.3.4, this variant is classified as VUS-3B. Following criteria are met: 0102 - Loss of function is a known mechanism of disease in this gene and is associated with intellectual developmental disorder, autosomal dominant 47 (MIM#617635). (I) 0107 - This gene is associated with autosomal dominant disease. (I) 0200 - Variant is predicted to result in a missense amino acid change from aspartic acid to glutamic acid. (I) 0251 - This variant is heterozygous. (I) 0301 - Variant is absent from gnomAD (both v2 and v3). (SP) 0503 - Missense variant consistently predicted to be tolerated by multiple in silico tools or not conserved in placental mammals with a minor amino acid change. (SB) 0603 - Missense variant in a region that is highly intolerant to missense variation (high constraint region in DECIPHER). (SP) 0705 - No comparable missense variants have previous evidence for pathogenicity. (I) 0807 - This variant has no previous evidence of pathogenicity. (I) 0905 - No published segregation evidence has been identified for this variant. (I) 1007 - No published functional evidence has been identified for this variant. (I) 1208 - Inheritance information for this variant is not currently available in this individual. (I) Legend: (SP) - Supporting pathogenic, (I) - Information, (SB) - Supporting benign

NM_005862.3(STAG1):c.2520C>G (p.Asp840Glu)

Gene: STAG1 (STAG1 cohesin complex component; minus strand). Cytogenetic location: 3q22.3.
Variant type: single nucleotide variant.
Coding change: c.2520C>G on transcript NM_005862.3 (MANE Select); coding-DNA position 2520, C replaced by G.
Protein change: p.Asp840Glu; replaces aspartic acid 840 with glutamic acid.
Molecular consequence: missense variant.
Genome position (GRCh38, 1-based): chr3:136,369,133, G>C on the plus strand (C>G on the coding strand, the complement: STAG1 is on the minus strand). VCF-style: chr3-136369133-G-C. GRCh37 (hg19) VCF-style: chr3-136087975-G-C.
Other names: short protein forms D840E.
Identifiers: ClinVar variation 3254919 (VCV003254919.1), dbSNP rs2530127534.
Genomic context (GRCh38, chr3:136,369,133, plus strand): 5'-AAAATCAATATTGACAAGATGATAGCTACAAGTACCCATGCTCTGGTTCTCCTCGTCTTG[G>C]TCAATAAAAACGTGATCCATCACAAAACTGAGGAGTTCAGATTGGAGTCCAGTATCTGGA-3'
Protein context (NP_005853.2, residues 830-850): LSFVMDHVFI[Asp840Glu]QDEENQSMEG